The following is an entry in ClinVar:

ClinVar aggregate classification (germline): Likely benign. Review status: criteria provided, multiple submitters, no conflicts (2 of 4 stars). 3 submissions from 3 submitters: Likely benign (3). Last evaluated 2025-10-29.

Conditions:
Inborn genetic diseases. Identifiers: MedGen C0950123, MeSH D030342.
Neutropenia, severe congenital, 1, autosomal dominant. Identifiers: MedGen C1859966, MONDO:0042490, OMIM 202700.
Cyclical neutropenia. Also called: Cyclic Neutropenia; Cyclic hematopoiesis. Identifiers: Orphanet 2686, MedGen C0221023, MONDO:0008090, OMIM 162800, HP:0040289. Disease mechanism: loss of function.

Allele frequency attached by ClinVar (database versions not stated): TOPMed 0.00001; ExAC 0.00002; gnomAD exomes 0.00004.
gnomAD v4.1: 24 of 1,611,582 alleles (0.0015%); highest among the groups gnomAD compares: Admixed American, 0.0033%; no homozygotes.

Submissions (3):

Labcorp Genetics (formerly Invitae), Labcorp
Classification: Likely benign for Neutropenia, severe congenital, 1, autosomal dominant; Cyclical neutropenia. Last evaluated: 2025-10-29. Review status: criteria provided, single submitter. Criteria: Invitae Variant Classification Sherloc (09022015). Collection method: clinical testing. Allele origin: germline.

Ambry Genetics
Classification: Likely benign for Inborn genetic diseases. Last evaluated: 2024-12-17. Review status: criteria provided, single submitter. Criteria: Ambry Variant Classification Scheme 2023. Collection method: clinical testing. Allele origin: germline.

CeGaT Center for Human Genetics Tuebingen
Classification: Likely benign. Last evaluated: 2024-05-01. Review status: criteria provided, single submitter. Criteria: CeGaT Center For Human Genetics Tuebingen Variant Classification Criteria Version 2. Collection method: clinical testing. Allele origin: germline. Affected: yes. Observed: 2 variant alleles.
Comment: ELANE: BP4, BP7

NM_001972.4(ELANE):c.321C>T (p.Asn107=)

Gene: ELANE (elastase, neutrophil expressed; plus strand). Cytogenetic location: 19p13.3.
Variant type: single nucleotide variant.
Coding change: c.321C>T on transcript NM_001972.4 (MANE Select); coding-DNA position 321, C replaced by T.
Protein change: p.Asn107=; no amino-acid change (asparagine 107 retained).
Molecular consequence: synonymous variant.
Genome position (GRCh38, 1-based): chr19:853,358, C>T. VCF-style: chr19-853358-C-T. GRCh37 (hg19) VCF-style: chr19-853358-C-T.
Other names: c.321C>T (NM_001972.2).
Identifiers: ClinVar variation 1582570 (VCV001582570.33), dbSNP rs200786414, ClinGen allele CA9025999.